The following is an entry in ClinVar:

ClinVar aggregate classification (germline): Uncertain significance. Review status: criteria provided, multiple submitters, no conflicts (2 of 4 stars). 2 submissions from 2 submitters: Uncertain significance (2). Last evaluated 2024-02-03.

Conditions:
Hereditary cancer-predisposing syndrome. Also called: Tumor predisposition; Neoplastic Syndromes, Hereditary; Hereditary Cancer Syndrome; Hereditary neoplastic syndrome. Identifiers: Orphanet 140162, MedGen C0027672, MeSH D009386, MONDO:0015356.
Breast-ovarian cancer, familial, susceptibility to, 1 (BROVCA1). Also called: BRCA1 Hereditary Breast and Ovarian Cancer; OVARIAN CANCER, SUSCEPTIBILITY TO. Identifiers: Orphanet 145, MedGen C2676676, MONDO:0011450, OMIM 604370. Disease mechanism: loss of function.

Submissions (2):

Ambry Genetics
Classification: Uncertain significance for Hereditary cancer-predisposing syndrome. Last evaluated: 2024-02-03. Review status: criteria provided, single submitter. Criteria: Ambry Variant Classification Scheme 2023. Collection method: clinical testing. Allele origin: germline.
Comment: The p.I1108T variant (also known as c.3323T>C), located in coding exon 9 of the BRCA1 gene, results from a T to C substitution at nucleotide position 3323. The isoleucine at codon 1108 is replaced by threonine, an amino acid with similar properties. This amino acid position is conserved. In addition, the in silico prediction for this alteration is inconclusive. Based on the available evidence, the clinical significance of this alteration remains unclear.

All of Us Research Program, National Institutes of Health
Classification: Uncertain significance for Breast-ovarian cancer, familial, susceptibility to, 1. Last evaluated: 2023-07-10. Review status: criteria provided, single submitter. Criteria: ACMG Guidelines, 2015. Collection method: clinical testing. Allele origin: germline. Inheritance: Autosomal dominant inheritance. Observed: 1 variant allele, 1 heterozygote.
Comment: This missense variant replaces isoleucine with threonine at codon 1108 of the BRCA1 protein. Computational prediction suggests that this variant may not impact protein structure and function (internally defined REVEL score threshold <= 0.5, PMID: 27666373). To our knowledge, functional studies have not been reported for this variant. This variant has not been reported in individuals affected with BRCA1-related disorders in the literature. This variant has not been identified in the general population by the Genome Aggregation Database (gnomAD). The available evidence is insufficient to determine the role of this variant in disease conclusively. Therefore, this variant is classified as a Variant of Uncertain Significance.

This study involves interpretation of variants in research participants for the purpose of population health screening. Participant phenotype was not available at the time of variant classification. Additional details can be found in publication PMID: 35346344, PMCID: PMC8962531

NM_007294.4(BRCA1):c.3323T>C (p.Ile1108Thr)

Genes: BRCA1 (BRCA1 DNA repair associated; minus strand), LOC126862571 (BRD4-independent group 4 enhancer GRCh37_chr17:41243136-41244335; plus strand). Cytogenetic location: 17q21.31.
Variant type: single nucleotide variant.
Coding change: c.3323T>C on transcript NM_007294.4 (MANE Select); coding-DNA position 3323, T replaced by C.
Protein change: p.Ile1108Thr; replaces isoleucine 1108 with threonine.
Molecular consequence: missense variant. On other transcripts: intron variant (137).
Genome position (GRCh38, 1-based): chr17:43,092,208, A>G on the plus strand (T>C on the coding strand, the complement: BRCA1 is on the minus strand). VCF-style: chr17-43092208-A-G. GRCh37 (hg19) VCF-style: chr17-41244225-A-G.
Other names: c.3182T>C, p.Ile1061Thr (NM_001407945.1, NM_007297.4, NM_001407944.1 and 29 more transcripts); c.2990T>C, p.Ile997Thr (NM_001407946.1, NM_001407947.1, NM_001407948.1 and 6 more transcripts); c.2819T>C, p.Ile940Thr (NM_001407965.1); c.2435T>C, p.Ile812Thr (NM_001407966.1, NM_001407967.1); c.3323T>C, p.Ile1108Thr (NM_007300.4, NM_001407581.1, NM_001407582.1 and 30 more transcripts); c.647-1176T>C (NM_001408458.1, NM_001408469.1, NM_001408453.1 and 11 more transcripts); c.284-1176T>C (NM_001408512.1); c.407-1176T>C (NM_001408510.1); and 41 more; short protein forms I1019T, I1020T, I1037T, I1038T, I1040T, I1041T, I1060T, I1061T.
Identifiers: ClinVar variation 3072354 (VCV003072354.2), dbSNP rs2154328996, ClinGen allele CA10595337.